The following is an entry in ClinVar:

ClinVar aggregate classification (germline): Uncertain significance (1 of 4 stars; one submission).

Conditions:
Inborn genetic diseases. Identifiers: MedGen C0950123, MeSH D030342.

gnomAD v4.1: 3 of 1,611,746 alleles (0.00019%); highest among the groups gnomAD compares: Non-Finnish European, 0.00025%; no homozygotes.

Submission:

Ambry Genetics
Classification: Uncertain significance for Inborn genetic diseases. Last evaluated: 2025-10-14. Review status: criteria provided, single submitter. Criteria: Ambry Variant Classification Scheme 2023. Collection method: clinical testing. Allele origin: germline.
Comment: The p.A385V variant (also known as c.1154C>T), located in coding exon 5 of the SH2B3 gene, results from a C to T substitution at nucleotide position 1154. The alanine at codon 385 is replaced by valine, an amino acid with similar properties. This amino acid position is conserved. In addition, the in silico prediction for this alteration is inconclusive. Based on the available evidence, the clinical significance of this variant remains unclear.

NM_005475.3(SH2B3):c.1154C>T (p.Ala385Val)

Gene: SH2B3 (SH2B adaptor protein 3; plus strand). Cytogenetic location: 12q24.12.
Variant type: single nucleotide variant.
Coding change: c.1154C>T on transcript NM_005475.3 (MANE Select); coding-DNA position 1154, C replaced by T.
Protein change: p.Ala385Val; replaces alanine 385 with valine.
Molecular consequence: missense variant.
Genome position (GRCh38, 1-based): chr12:111,447,462, C>T. VCF-style: chr12-111447462-C-T. GRCh37 (hg19) VCF-style: chr12-111885266-C-T.
Other names: c.548C>T, p.Ala183Val (NM_001291424.1); short protein forms A385V, A183V.
Identifiers: ClinVar variation 4630714 (VCV004630714.1).